The following is an entry in ClinVar:

ClinVar aggregate classification (germline): Uncertain significance (1 of 4 stars; one submission).

Submission:

Labcorp Genetics (formerly Invitae), Labcorp
Classification: Uncertain significance. Last evaluated: 2021-05-17. Review status: criteria provided, single submitter. Criteria: Invitae Variant Classification Sherloc (09022015). Collection method: clinical testing. Allele origin: germline.
Comment: This variant, c.933_938dup, results in the insertion of 2 amino acid(s) to the HMX1 protein (p.Ala312_Pro313dup), but otherwise preserves the integrity of the reading frame. The frequency data for this variant in the population databases is considered unreliable, as metrics indicate insufficient coverage at this position in the ExAC database. This variant has not been reported in the literature in individuals with HMX1-related conditions. Experimental studies and prediction algorithms are not available or were not evaluated, and the functional significance of this variant is currently unknown. In summary, the available evidence is currently insufficient to determine the role of this variant in disease. Therefore, it has been classified as a Variant of Uncertain Significance.

NM_018942.3(HMX1):c.927CGCGCC[3] (p.310AP[3])

Gene: HMX1 (H6 family homeobox 1; minus strand). Cytogenetic location: 4p16.1.
Variant type: Microsatellite.
Coding change: c.927CGCGCC[3] on transcript NM_018942.3 (MANE Select); three copies in a row of the 6-base unit CGCGCC starting at c.927; the reference has two copies in a row; one copy, 6 bases duplicated.
Protein change: p.310AP[3].
Molecular consequence: inframe insertion. On other transcripts: intron variant (1).
Genome position (GRCh38, 1-based): chr4:8,867,802-8,867,807, GGCGCG duplicated on the plus strand (CGCGCC on the coding strand, the reverse complement: HMX1 is on the minus strand); duplicating any 6 consecutive bases within chr4:8,867,802-8,867,814 gives the same sequence; the position shown is the placement nearest the transcript's 3' end. VCF-style (leftmost placement, unchanged base first): chr4-8867801-C-CGGCGCG. GRCh37 (hg19) VCF-style: chr4-8869527-C-CGGCGCG.
Other names: c.394+3408CGCGCC[3] (NM_001306142.2).
Identifiers: ClinVar variation 1428066 (VCV001428066.8), dbSNP rs2109472656, ClinGen allele CA2580616073.